The following is an entry in ClinVar:

ClinVar aggregate classification (germline): Uncertain significance (1 of 4 stars; one submission).

Allele frequency attached by ClinVar (database versions not stated): gnomAD exomes below 0.00001; TOPMed below 0.00001; ExAC 0.00001.
gnomAD v4.1: 3 of 1,613,052 alleles (0.00019%); highest among the groups gnomAD compares: East Asian, 0.0022%; no homozygotes.

Submission:

Ambry Genetics
Classification: Uncertain significance. Last evaluated: 2023-05-20. Review status: criteria provided, single submitter. Criteria: Ambry Variant Classification Scheme 2023. Collection method: clinical testing. Allele origin: germline.
Comment: The p.N1727S variant (also known as c.5180A>G), located in coding exon 16 of the POLQ gene, results from an A to G substitution at nucleotide position 5180. The asparagine at codon 1727 is replaced by serine, an amino acid with highly similar properties. This amino acid position is conserved. In addition, this alteration is predicted to be tolerated by in silico analysis. Since supporting evidence is limited at this time, the clinical significance of this alteration remains unclear.

NM_199420.4(POLQ):c.5180A>G (p.Asn1727Ser)

Gene: POLQ (DNA polymerase theta; minus strand). Cytogenetic location: 3q13.33.
Variant type: single nucleotide variant.
Coding change: c.5180A>G on transcript NM_199420.4 (MANE Select); coding-DNA position 5180, A replaced by G.
Protein change: p.Asn1727Ser; replaces asparagine 1727 with serine.
Molecular consequence: missense variant.
Genome position (GRCh38, 1-based): chr3:121,487,751, T>C on the plus strand (A>G on the coding strand, the complement: POLQ is on the minus strand). VCF-style: chr3-121487751-T-C. GRCh37 (hg19) VCF-style: chr3-121206598-T-C.
Other names: short protein forms N1727S.
Identifiers: ClinVar variation 2563857 (VCV002563857.2), dbSNP rs769033586, ClinGen allele CA2562772.
Genomic context (GRCh38, chr3:121,487,751, plus strand): 5'-AGCTTAGAAGCAGATGTTGGAATGGGTGTAGGAGGAATGAGACCATTATCATCAACTATA[T>C]TACTTTCTTTACGAGGTAAGAGGGATGAGGTTTCATCATGATTGGCATTGTTTTCTAGCA-3'
Protein context (NP_955452.3, residues 1717-1737): TSSLLPRKES[Asn1727Ser]IVDDNGLIPP